The following is an entry in ClinVar:

ClinVar aggregate classification (germline): Uncertain significance (1 of 4 stars; one submission).

Allele frequency attached by ClinVar (database versions not stated): gnomAD exomes below 0.00001; TOPMed below 0.00001; ExAC 0.00002; ESP Exome Variant Server 0.00008.

Submission:

Labcorp Genetics (formerly Invitae), Labcorp
Classification: Uncertain significance. Last evaluated: 2022-07-05. Review status: criteria provided, single submitter. Criteria: Invitae Variant Classification Sherloc (09022015). Collection method: clinical testing. Allele origin: germline.
Comment: This sequence change replaces arginine, which is basic and polar, with cysteine, which is neutral and slightly polar, at codon 71 of the TBCE protein (p.Arg71Cys). This variant is present in population databases (rs376459211, gnomAD 0.007%). This variant has not been reported in the literature in individuals affected with TBCE-related conditions. Algorithms developed to predict the effect of missense changes on protein structure and function (SIFT, PolyPhen-2, Align-GVGD) all suggest that this variant is likely to be disruptive. In summary, the available evidence is currently insufficient to determine the role of this variant in disease. Therefore, it has been classified as a Variant of Uncertain Significance.

NM_003193.5(TBCE):c.211C>T (p.Arg71Cys)

Gene: TBCE (tubulin folding cofactor E; plus strand). Cytogenetic location: 1q42.3.
Variant type: single nucleotide variant.
Coding change: c.211C>T on transcript NM_003193.5 (MANE Select); coding-DNA position 211, C replaced by T.
Protein change: p.Arg71Cys; replaces arginine 71 with cysteine.
Molecular consequence: missense variant. On other transcripts: 5 prime UTR variant (1).
Genome position (GRCh38, 1-based): chr1:235,414,458, C>T. VCF-style: chr1-235414458-C-T. GRCh37 (hg19) VCF-style: chr1-235577773-C-T.
Other names: c.211C>T, p.Arg71Cys (NM_001079515.3, NM_001287801.2); c.-185C>T (NM_001287802.2); short protein forms R71C.
Identifiers: ClinVar variation 2090860 (VCV002090860.1), dbSNP rs376459211, ClinGen allele CA1463970.
Genomic context (GRCh38, chr1:235,414,458, plus strand): 5'-ATATTTTCTGTGTTTCATTTGCTCTTCTTTACCAGGCACCCGACAGGAGGATCCTTTATT[C>T]GTCCGAACAAGGTAAATTTTGGAACAGACTTTCTTACTGCAATTAAGAACCGCTATGTGT-3'
Protein context (NP_003184.1, residues 61-81): CRHPTGGSFI[Arg71Cys]PNKVNFGTDF